The following is an entry in ClinVar:

NM_020964.3(EPG5):c.3489A>C (p.Gln1163His)

Gene: EPG5 (ectopic P-granules 5 autophagy tethering factor; minus strand). Cytogenetic location: 18q21.1.
Variant type: single nucleotide variant.
Coding change: c.3489A>C on transcript NM_020964.3 (MANE Select); coding-DNA position 3489, A replaced by C.
Protein change: p.Gln1163His; replaces glutamine 1163 with histidine.
Molecular consequence: missense variant.
Genome position (GRCh38, 1-based): chr18:45,916,102, T>G on the plus strand (A>C on the coding strand, the complement: EPG5 is on the minus strand). VCF-style: chr18-45916102-T-G. GRCh37 (hg19) VCF-style: chr18-43496067-T-G.
Other names: c.3489A>C, p.Gln1163His (NM_001410858.1, NM_001410859.1); short protein forms Q1163H.
Identifiers: ClinVar variation 2081360 (VCV002081360.4), dbSNP rs1221428043, ClinGen allele CA402342371.

ClinVar aggregate classification (germline): Uncertain significance (1 of 4 stars; one submission).

Conditions:
Vici syndrome (VICIS). Identifiers: Orphanet 1493, MedGen C1855772, MONDO:0009452, OMIM 242840.

Submission:

Labcorp Genetics (formerly Invitae), Labcorp
Classification: Uncertain significance for Vici syndrome. Last evaluated: 2023-08-30. Review status: criteria provided, single submitter. Criteria: Invitae Variant Classification Sherloc (09022015). Collection method: clinical testing. Allele origin: germline.
Comment: Advanced modeling of protein sequence and biophysical properties (such as structural, functional, and spatial information, amino acid conservation, physicochemical variation, residue mobility, and thermodynamic stability) performed at Invitae indicates that this missense variant is not expected to disrupt EPG5 protein function. In summary, the available evidence is currently insufficient to determine the role of this variant in disease. Therefore, it has been classified as a Variant of Uncertain Significance. ClinVar contains an entry for this variant (Variation ID: 2081360). This variant has not been reported in the literature in individuals affected with EPG5-related conditions. This variant is not present in population databases (gnomAD no frequency). This sequence change replaces glutamine, which is neutral and polar, with histidine, which is basic and polar, at codon 1163 of the EPG5 protein (p.Gln1163His).